The following is an entry in ClinVar:

ClinVar aggregate classification (germline): Uncertain significance. Review status: criteria provided, multiple submitters, no conflicts (2 of 4 stars). 2 submissions from 2 submitters: Uncertain significance (2). Last evaluated 2025-02-23.

Conditions:
Frasier syndrome. Identifiers: Orphanet 347, MedGen C0950122, MeSH D052159, MONDO:0007635, OMIM 136680.
Drash syndrome (DDS). Also called: WILMS TUMOR AND PSEUDO- OR TRUE HERMAPHRODITISM; NEPHROPATHY, WILMS TUMOR, AND GENITAL ANOMALIES. Identifiers: Orphanet 220, MedGen C0950121, MONDO:0008682, OMIM 194080.
Wilms tumor 1 (WT1). Also called: Wilms tumor, somatic. Identifiers: Orphanet 654, MedGen CN033288, MONDO:0008679, OMIM 194070.
11p partial monosomy syndrome (WAGR). Also called: WAGR Spectrum Disorder; WAGR syndrome; CHROMOSOME 11p13 DELETION SYNDROME; WAGR Complex. Identifiers: Orphanet 893, MedGen C0206115, MONDO:0008681, OMIM 194072.
Inborn genetic diseases. Identifiers: MedGen C0950123, MeSH D030342.

gnomAD v4.1: 2 of 1,614,168 alleles (0.00012%); highest among the groups gnomAD compares: Admixed American, 0.0017%; no homozygotes.

Submissions (2):

Ambry Genetics
Classification: Uncertain significance for Inborn genetic diseases. Last evaluated: 2025-02-23. Review status: criteria provided, single submitter. Criteria: Ambry Variant Classification Scheme 2023. Collection method: clinical testing. Allele origin: germline.
Comment: The p.N399S variant (also known as c.1196A>G), located in coding exon 7 of the WT1 gene, results from an A to G substitution at nucleotide position 1196. The asparagine at codon 399 is replaced by serine, an amino acid with highly similar properties. This amino acid position is conserved. In addition, this alteration is predicted to be tolerated by in silico analysis. Based on the available evidence, the clinical significance of this variant remains unclear.

Labcorp Genetics (formerly Invitae), Labcorp
Classification: Uncertain significance for Wilms tumor 1; Drash syndrome; 11p partial monosomy syndrome; Frasier syndrome. Last evaluated: 2022-01-26. Review status: criteria provided, single submitter. Criteria: Invitae Variant Classification Sherloc (09022015). Collection method: clinical testing. Allele origin: germline.
Comment: Algorithms developed to predict the effect of sequence changes on RNA splicing suggest that this variant may create or strengthen a splice site. Algorithms developed to predict the effect of missense changes on protein structure and function are either unavailable or do not agree on the potential impact of this missense change (SIFT: "Deleterious"; PolyPhen-2: "Benign"; Align-GVGD: "Class C45"). This variant has not been reported in the literature in individuals affected with WT1-related conditions. This variant is present in population databases (rs748864758, gnomAD 0.003%). This sequence change replaces asparagine, which is neutral and polar, with serine, which is neutral and polar, at codon 399 of the WT1 protein (p.Asn399Ser). In summary, the available evidence is currently insufficient to determine the role of this variant in disease. Therefore, it has been classified as a Variant of Uncertain Significance.

NM_024426.6(WT1):c.1211A>G (p.Asn404Ser)

Gene: WT1 (WT1 transcription factor; minus strand). Cytogenetic location: 11p13.
Variant type: single nucleotide variant.
Coding change: c.1211A>G on transcript NM_024426.6 (MANE Select); coding-DNA position 1211, A replaced by G.
Protein change: p.Asn404Ser; replaces asparagine 404 with serine.
Molecular consequence: missense variant. On other transcripts: non-coding transcript variant (1).
Genome position (GRCh38, 1-based): chr11:32,396,310, T>C on the plus strand (A>G on the coding strand, the complement: WT1 is on the minus strand). VCF-style: chr11-32396310-T-C. GRCh37 (hg19) VCF-style: chr11-32417856-T-C.
Other names: c.1160A>G, p.Asn387Ser (NM_000378.6, NM_001407045.1, NM_001407048.1 and 1 more transcripts); c.560A>G, p.Asn187Ser (NM_001198551.2); c.509A>G, p.Asn170Ser (NM_001198552.2); c.23A>G, p.Asn8Ser (NM_001367854.1); c.1205A>G, p.Asn402Ser (NM_001407044.1); c.1211A>G, p.Asn404Ser (NM_001407046.1, NM_024424.5); c.1088A>G, p.Asn363Ser (NM_001407047.1); c.1037A>G, p.Asn346Ser (NM_001407050.1); and 3 more; short protein forms N404S, N8S, N170S, N187S, N387S, N363S, N346S, N150S.
Identifiers: ClinVar variation 1406040 (VCV001406040.10), dbSNP rs748864758, ClinGen allele CA064360.